The following is an entry in ClinVar:

NM_000138.5(FBN1):c.1205C>T (p.Pro402Leu)

Gene: FBN1 (fibrillin 1; minus strand). Cytogenetic location: 15q21.1.
Variant type: single nucleotide variant.
Coding change: c.1205C>T on transcript NM_000138.5 (MANE Select); coding-DNA position 1205, C replaced by T.
Protein change: p.Pro402Leu; replaces proline 402 with leucine.
Molecular consequence: missense variant.
Genome position (GRCh38, 1-based): chr15:48,516,305, G>A on the plus strand (C>T on the coding strand, the complement: FBN1 is on the minus strand). VCF-style: chr15-48516305-G-A. GRCh37 (hg19) VCF-style: chr15-48808502-G-A.
Other names: short protein forms P402L.
Identifiers: ClinVar variation 660486 (VCV000660486.8), dbSNP rs1597581542, ClinGen allele CA392345622.

ClinVar aggregate classification (germline): Uncertain significance (1 of 4 stars; one submission).

Conditions:
Familial thoracic aortic aneurysm and aortic dissection (TAAD). Also called: Thoracic aortic aneurysms and dissections. Identifiers: Orphanet 91387, MedGen C4707243, MONDO:0019625.
Marfan syndrome (MFS). Also called: FBN1-Related Marfan Syndrome; Marfan syndrome type 1; Marfan's syndrome; Marfan syndrome, classic; MARFAN SYNDROME, TYPE I. Identifiers: Orphanet 284963, Orphanet 558, MedGen C0024796, MONDO:0007947, OMIM 154700.

Allele frequency attached by ClinVar (database versions not stated): gnomAD exomes below 0.00001.
gnomAD v4.1: 1 of 1,613,772 alleles (0.000062%); highest among the groups gnomAD compares: Non-Finnish European, 0.000085%; no homozygotes.

Submission:

Labcorp Genetics (formerly Invitae), Labcorp
Classification: Uncertain significance for Marfan syndrome; Familial thoracic aortic aneurysm and aortic dissection. Last evaluated: 2022-11-22. Review status: criteria provided, single submitter. Criteria: Invitae Variant Classification Sherloc (09022015). Collection method: clinical testing. Allele origin: germline.
Comment: This sequence change replaces proline, which is neutral and non-polar, with leucine, which is neutral and non-polar, at codon 402 of the FBN1 protein (p.Pro402Leu). In summary, the available evidence is currently insufficient to determine the role of this variant in disease. Therefore, it has been classified as a Variant of Uncertain Significance. Advanced modeling of protein sequence and biophysical properties (such as structural, functional, and spatial information, amino acid conservation, physicochemical variation, residue mobility, and thermodynamic stability) performed at Invitae indicates that this missense variant is not expected to disrupt FBN1 protein function. ClinVar contains an entry for this variant (Variation ID: 660486). This variant has not been reported in the literature in individuals affected with FBN1-related conditions. This variant is not present in population databases (gnomAD no frequency).